The following is an entry in ClinVar:

NM_020718.4(USP31):c.2991C>T (p.Ser997=)

Gene: USP31 (ubiquitin specific peptidase 31; minus strand). Cytogenetic location: 16p12.2.
Variant type: single nucleotide variant.
Coding change: c.2991C>T on transcript NM_020718.4 (MANE Select); coding-DNA position 2991, C replaced by T.
Protein change: p.Ser997=; no amino-acid change (serine 997 retained).
Molecular consequence: synonymous variant. On other transcripts: non-coding transcript variant (1).
Genome position (GRCh38, 1-based): chr16:23,069,114, G>A on the plus strand (C>T on the coding strand, the complement: USP31 is on the minus strand). VCF-style: chr16-23069114-G-A. GRCh37 (hg19) VCF-style: chr16-23080435-G-A.
Other names: c.2871C>T, p.Ser957= (NM_001387221.1).
Identifiers: ClinVar variation 2646316 (VCV002646316.24), dbSNP rs115182011, ClinGen allele CA7958682.

ClinVar aggregate classification (germline): Likely benign (1 of 4 stars; one submission).

Allele frequency attached by ClinVar (database versions not stated): 1000 Genomes Project 30x 0.00219; 1000 Genomes Project 0.00240; gnomAD exomes 0.00487; gnomAD 0.00510; ExAC 0.00514; TOPMed 0.00522; ESP Exome Variant Server 0.00785.
gnomAD v4.1: 8,062 of 1,613,154 alleles (0.5%); highest among the groups gnomAD compares: Middle Eastern, 1.1%; 57 homozygotes.

Submission:

CeGaT Center for Human Genetics Tuebingen
Classification: Likely benign. Last evaluated: 2023-04-01. Review status: criteria provided, single submitter. Criteria: CeGaT Center For Human Genetics Tuebingen Variant Classification Criteria Version 2. Collection method: clinical testing. Allele origin: germline. Affected: yes. Observed: 2 variant alleles.
Comment: USP31: BP4, BP7, BS2